The following is an entry in ClinVar:

ClinVar aggregate classification (germline): Benign. Review status: criteria provided, multiple submitters, no conflicts (2 of 4 stars). 6 submissions from 6 submitters: Benign (5). 1 of the submissions does not count toward it. Last evaluated 2026-01-12.

Conditions:
OTOGL-related disorder. Also called: OTOGL-related condition.

Allele frequency attached by ClinVar (database versions not stated): gnomAD exomes 0.00215; gnomAD 0.00786 and 0.00845; 1000 Genomes Project 30x 0.00796; 1000 Genomes Project 0.00799; ESP Exome Variant Server 0.00815; TOPMed 0.00875.
gnomAD v4.1: 2,624 of 1,613,086 alleles (0.16%); highest among the groups gnomAD compares: African/African-American, 2.7%; 32 homozygotes.

Submissions (6):

Labcorp Genetics (formerly Invitae), Labcorp
Classification: Benign. Last evaluated: 2026-01-12. Review status: criteria provided, single submitter. Criteria: Invitae Variant Classification Sherloc (09022015). Collection method: clinical testing. Allele origin: germline.

GeneDx
Classification: Benign. Last evaluated: 2018-10-16. Review status: criteria provided, single submitter. Criteria: GeneDx Variant Classification Process June 2021. Collection method: clinical testing. Allele origin: germline. Affected: yes.

Athena Diagnostics
Classification: Benign. Last evaluated: 2018-05-24. Review status: criteria provided, single submitter. Criteria: Athena Diagnostics Criteria. Collection method: clinical testing. Allele origin: germline.

Laboratory for Molecular Medicine, Mass General Brigham Personalized Medicine
Classification: Benign. Last evaluated: 2014-11-24. Review status: criteria provided, single submitter. Criteria: LMM Criteria. Collection method: clinical testing. Allele origin: germline. Observed: 13 variant alleles.
Comment: Leu2043Leu in exon 50 of OTOGL: This variant is not expected to have clinical si gnificance because it does not alter an amino acid residue and is not located wi thin the splice consensus sequence. It has been identified in 2.3% (103/4406) of African American chromosomes from a broad population by the NHLBI Exome Sequenc ing Project (dbSNP rs34323912).

Breakthrough Genomics
Classification: Benign. Review status: criteria provided, single submitter. Criteria: ACMG Guidelines, 2015. Collection method: not provided. Allele origin: germline. Inheritance: Autosomal recessive inheritance. Affected: yes.

PreventionGenetics, part of Exact Sciences
Classification: Benign for OTOGL-related condition. Last evaluated: 2024-03-04. Review status: no assertion criteria provided. Collection method: clinical testing. Allele origin: germline. Not counted in ClinVar's aggregate classification.
Comment: This variant is classified as benign based on ACMG/AMP sequence variant interpretation guidelines (Richards et al. 2015 PMID: 25741868, with internal and published modifications).

NM_001378609.3(OTOGL):c.6156C>T (p.Leu2052=)

Gene: OTOGL (otogelin like; plus strand). Cytogenetic location: 12q21.31.
Variant type: single nucleotide variant.
Coding change: c.6156C>T on transcript NM_001378609.3 (MANE Select); coding-DNA position 6156, C replaced by T.
Protein change: p.Leu2052=; no amino-acid change (leucine 2052 retained).
Molecular consequence: synonymous variant.
Genome position (GRCh38, 1-based): chr12:80,358,705, C>T. VCF-style: chr12-80358705-C-T. GRCh37 (hg19) VCF-style: chr12-80752485-C-T.
Other names: c.6021C>T, p.Leu2007= (NM_001368062.3); c.6156C>T, p.Leu2052= (NM_001378610.3, NM_173591.7).
Identifiers: ClinVar variation 226964 (VCV000226964.18), dbSNP rs34323912, ClinGen allele CA6701931.
Genomic context (GRCh38, chr12:80,358,705, plus strand): 5'-TTTACCCATGTAATTTTTCTTTTTAGTATGTGAACCAAACCTTTGTCCTATGCCATTACT[C>T]AACTGTGCAGAAGATATGAATCTTGTGAAAGAAAATGTATCTGGTCAATGTTGCCCAACA-3'
Protein context (NP_001365538.2, residues 2042-2062): CEPNLCPMPL[Leu2052=]NCAEDMNLVK